The following is an entry in ClinVar:

ClinVar aggregate classification (germline): Benign/Likely benign. Review status: criteria provided, multiple submitters, no conflicts (2 of 4 stars). 18 submissions from 18 submitters: Benign (12); Likely benign (5). 1 of the submissions does not count toward it. Last evaluated 2026-06-01.

Conditions:
Li-Fraumeni syndrome (LFS). Also called: Sarcoma family syndrome of Li and Fraumeni. Identifiers: Orphanet 524, MedGen C0085390, MONDO:0018875.
Familial pancreatic carcinoma. Identifiers: Orphanet 1333, MedGen C2931038, MONDO:0015278, OMIM 260350.
Familial melanoma. Also called: Hereditary melanoma; Hereditary cutaneous melanoma. Identifiers: Orphanet 618, MedGen C1512419, MONDO:0018961.
Melanoma-pancreatic cancer syndrome. Identifiers: Orphanet 404560, MedGen C1838547, MONDO:0011713, OMIM 606719. Disease mechanism: loss of function.
Melanoma, cutaneous malignant, susceptibility to, 2 (CMM2). Also called: CDKN2A-Related Cutaneous Malignant Melanoma; Cutaneous malignant melanoma 2. Identifiers: Orphanet 618, MedGen C1835044, MONDO:0007964, OMIM 155601.
Melanoma and neural system tumor syndrome. Also called: MELANOMA-ASTROCYTOMA SYNDROME. Identifiers: Orphanet 252206, MedGen C1835042, MONDO:0007967, OMIM 155755.
Hereditary cancer-predisposing syndrome. Also called: Tumor predisposition; Hereditary neoplastic syndrome; Hereditary Cancer Syndrome; Neoplastic Syndromes, Hereditary. Identifiers: Orphanet 140162, MedGen C0027672, MeSH D009386, MONDO:0015356.

Allele frequency attached by ClinVar (database versions not stated): ESP Exome Variant Server 0.00019; gnomAD exomes 0.00058 and 0.00300; gnomAD 0.00097 and 0.00105; TOPMed 0.00214; ExAC 0.00296; 1000 Genomes Project 0.00419; 1000 Genomes Project 30x 0.00468.
gnomAD v4.1: 979 of 1,585,938 alleles (0.062%); highest among the groups gnomAD compares: Admixed American, 1.6%; 13 homozygotes.

Submissions (18):

CeGaT Center for Human Genetics Tuebingen
Classification: Benign. Last evaluated: 2026-06-01. Review status: criteria provided, single submitter. Criteria: CeGaT Center For Human Genetics Tuebingen Variant Classification Criteria Version 2. Collection method: clinical testing. Allele origin: germline. Affected: yes. Observed: 7 variant alleles.
Comment: CDKN2A: BP4, BS1, BS2

Labcorp Genetics (formerly Invitae), Labcorp
Classification: Benign for Familial melanoma. Last evaluated: 2025-11-17. Review status: criteria provided, single submitter. Criteria: Invitae Variant Classification Sherloc (09022015). Collection method: clinical testing. Allele origin: germline.

Center for Genomic Medicine, Rigshospitalet, Copenhagen University Hospital
Classification: Benign. Last evaluated: 2025-03-04. Review status: criteria provided, single submitter. Criteria: ACMG Guidelines, 2015. Collection method: clinical testing. Allele origin: germline.

Blueprint Genetics
Classification: Likely benign. Last evaluated: 2024-11-25. Review status: criteria provided, single submitter. Criteria: ACMG Guidelines, 2015. Collection method: clinical testing. Allele origin: germline.

ARUP Laboratories, Molecular Genetics and Genomics, ARUP Laboratories
Classification: Benign. Last evaluated: 2024-11-14. Review status: criteria provided, single submitter. Criteria: ARUP Molecular Germline Variant Investigation Process 2024. Collection method: clinical testing. Allele origin: germline.

Mayo Clinic Laboratories, Mayo Clinic
Classification: Likely benign. Last evaluated: 2024-09-05. Review status: criteria provided, single submitter. Criteria: ACMG Guidelines, 2015. Collection method: clinical testing. Allele origin: germline. Observed: 5 variant alleles.
Comment: BS1, BP4, BP7

Department of Pathology and Laboratory Medicine, Sinai Health System
Classification: Benign for Li-Fraumeni syndrome; Familial pancreatic carcinoma. Last evaluated: 2024-03-26. Review status: criteria provided, single submitter. Criteria: ACMG Guidelines, 2015. Collection method: clinical testing. Allele origin: germline. Affected: yes.

Myriad Genetics, Inc.
Classification: Likely benign for Melanoma-pancreatic cancer syndrome. Last evaluated: 2023-04-20. Review status: criteria provided, single submitter. Criteria: Myriad Autosomal Dominant, Autosomal Recessive and X-Linked Classification Criteria (2023). Collection method: clinical testing. Allele origin: unknown.
Comment: This variant is considered likely benign. This variant has been observed at a population frequency that is significantly greater than expected given the associated disease prevalence and penetrance.

Quest Diagnostics Nichols Institute San Juan Capistrano
Classification: Benign. Last evaluated: 2022-04-07. Review status: criteria provided, single submitter. Criteria: Quest Diagnostics criteria. Collection method: clinical testing. Allele origin: unknown.

Fulgent Genetics
Classification: Likely benign for Melanoma, cutaneous malignant, susceptibility to, 2; Melanoma and neural system tumor syndrome; Melanoma-pancreatic cancer syndrome. Last evaluated: 2021-11-29. Review status: criteria provided, single submitter. Criteria: ACMG Guidelines, 2015. Collection method: clinical testing. Allele origin: unknown.

Sema4
Classification: Benign for Hereditary cancer-predisposing syndrome. Last evaluated: 2020-12-03. Review status: criteria provided, single submitter. Criteria: Sema4 Curation Guidelines. Collection method: curation. Allele origin: germline.

Ambry Genetics
Classification: Benign for Hereditary cancer-predisposing syndrome. Last evaluated: 2017-10-10. Review status: criteria provided, single submitter. Criteria: Ambry Variant Classification Scheme 2023. Collection method: clinical testing. Allele origin: germline.

PreventionGenetics, part of Exact Sciences
Classification: Benign. Last evaluated: 2016-12-13. Review status: criteria provided, single submitter. Criteria: ACMG Guidelines, 2015. Collection method: clinical testing. Allele origin: germline.

Color Diagnostics, LLC DBA Color Health
Classification: Benign for Hereditary cancer-predisposing syndrome. Last evaluated: 2016-07-20. Review status: criteria provided, single submitter. Criteria: ACMG Guidelines, 2015. Collection method: clinical testing. Allele origin: germline.

Women's Health and Genetics/Laboratory Corporation of America, LabCorp
Classification: Benign. Last evaluated: 2016-01-11. Review status: criteria provided, single submitter. Criteria: LabCorp Variant Classification Summary - May 2015. Collection method: clinical testing. Allele origin: germline.

GeneDx
Classification: Benign. Last evaluated: 2014-03-24. Review status: criteria provided, single submitter. Criteria: GeneDx Variant Classification (06012015). Collection method: clinical testing. Allele origin: germline. Affected: yes.
Comment: This variant is considered likely benign or benign based on one or more of the following criteria: it is a conservative change, it occurs at a poorly conserved position in the protein, it is predicted to be benign by multiple in silico algorithms, and/or has population frequency not consistent with disease.

Breakthrough Genomics
Classification: Likely benign. Review status: criteria provided, single submitter. Criteria: ACMG Guidelines, 2015. Collection method: not provided. Allele origin: germline. Inheritance: Autosomal dominant inheritance. Affected: yes.

Counsyl
Classification: Benign for Melanoma-pancreatic cancer syndrome. Last evaluated: 2016-07-26. Review status: no assertion criteria provided. Collection method: clinical testing. Allele origin: unknown. Not counted in ClinVar's aggregate classification.

Literature cited by the submitters: PubMed 28528518 (cited by Quest Diagnostics Nichols Institute San Juan Capistrano); PubMed 25980754 (cited by 3 submitters); PubMed 25318351 (cited by 4 submitters); PubMed 25186627 (cited by Counsyl).

NM_000077.5(CDKN2A):c.-2G>A

Genes: CDKN2A (cyclin dependent kinase inhibitor 2A; minus strand), LOC130001603 (ATAC-STARR-seq lymphoblastoid silent region 19811; plus strand). Cytogenetic location: 9p21.3.
Variant type: single nucleotide variant.
Coding change: c.-2G>A on transcript NM_000077.5; 2 bases upstream of the start codon, G replaced by A.
Molecular consequence: 5 prime UTR variant (on NM_001195132.2). On other transcripts: intron variant (2).
Genome position (GRCh38, 1-based): chr9:21,974,829, C>T on the plus strand (G>A on the coding strand, the complement: CDKN2A is on the minus strand). VCF-style: chr9-21974829-C-T. GRCh37 (hg19) VCF-style: chr9-21974828-C-T.
Other names: c.-2G>A (NM_000077.6, NM_001195132.2, NM_058197.5); c.-3-3621G>A (NM_001363763.2); c.194-3621G>A (NM_058195.4).
Identifiers: ClinVar variation 141245 (VCV000141245.35), dbSNP rs191394143, ClinGen allele CA294100.